The following continues an entry in ClinVar:

NM_005236.3(ERCC4):c.2395C>T (p.Arg799Trp)

Gene: ERCC4. ClinVar aggregate classification (germline): Conflicting classifications of pathogenicity. Pathogenic (11); Likely pathogenic (7); Uncertain significance (5).

Submissions 8 to 21 of 28:

St. Jude Molecular Pathology, St. Jude Children's Research Hospital
Classification: Pathogenic for Fanconi anemia complementation group Q. Last evaluated: 2024-05-16. Review status: criteria provided, single submitter. Criteria: St. Jude Assertion Criteria 2020. Collection method: clinical testing. Allele origin: germline.
Comment: The ERCC4 c.2395C>T (p.Arg799Trp) missense change has a maximum subpopulation frequency of 0.081% in gnomAD v2.1.1. The in silico tool REVEL is inconclusive about a pathogenic or benign effect of this variant on protein function, however in vitro functional assays in LCLs (Epstein–Barr virus transformed lymphoblastoid cell lines) and fibroblasts have shown that this variant causes reduced protein expression of nuclear ERCC4 which is attributed to protein mislocalization and can result in decreased cell survival and DNA replication after ultraviolet light exposure (PMID: 20221251, 29105242, 9579555). This variant has been reported in over ten individuals affected with xeroderma pigmentosum (PMID: 8797827, 9579555, 23623389, 21228398, 28431612, 29892709). In addition, it has been reported in three individuals with autosomal recessive cerebellar ataxia with mild pigmentation of exposed skin areas and/or an equivocal history of pathological sunburn (PMID: 29403087), one individual with sporadic ataxia (PMID: 31692161), two individuals with head and neck squamous cell carcinoma (PMID: 28678401), one individual with sporadic pancreatic adenocarcinoma (PMID: 28767289), one individual with Cockayne syndrome (PMID: 29105242), and one individual with colorectal cancer (PMID: 31871297). This variant is also known as p.Arg788Trp in the literature. In summary, this variant meets criteria to be classified as pathogenic.

Fulgent Genetics
Classification: Likely pathogenic for Xeroderma pigmentosum, group F; XFE progeroid syndrome; Fanconi anemia complementation group Q. Last evaluated: 2024-03-23. Review status: criteria provided, single submitter. Criteria: ACMG Guidelines, 2015. Collection method: clinical testing. Allele origin: germline.

GeneDx
Classification: Pathogenic. Last evaluated: 2022-05-25. Review status: criteria provided, single submitter. Criteria: GeneDx Variant Classification Process June 2021. Collection method: clinical testing. Allele origin: germline. Affected: yes.
Comment: Published functional studies demonstrate R799W decreased activity compared to wild-type (Ahmad et al., 2010).; This variant is associated with the following publications: (PMID: 26074087, 20221251, 24728327, 9579555, 22941649, 23623386, 21612988, 23623389, 18628313, 28678401, 27356891, 29376097, 28376890, 8797827, 28767289, 28431612, 29403087, 27528516, 21228398, 29105242, 34426522, 30665703, 31692161, 31980526, 31871297, 29892709)

MGZ Medical Genetics Center
Classification: Likely pathogenic for Xeroderma pigmentosum, group F. Last evaluated: 2022-02-22. Review status: criteria provided, single submitter. Criteria: ACMG Guidelines, 2015. Collection method: clinical testing. Allele origin: germline. Affected: yes. Observed: 1 variant allele.
Comment: ACMG criteria applied: PM3_STR, PS3_MOD, PP4

Institute for Clinical Genetics, University Hospital TU Dresden, University Hospital TU Dresden
Classification: Uncertain significance. Last evaluated: 2021-11-03. Review status: criteria provided, single submitter. Criteria: ACMG Guidelines, 2015. Collection method: clinical testing. Allele origin: germline.

Sema4
Classification: Likely pathogenic for Xeroderma pigmentosum. Last evaluated: 2021-11-02. Review status: criteria provided, single submitter. Criteria: Sema4 Curation Guidelines. Collection method: curation. Allele origin: germline.
Comment: The ERCC4 c.2395C>T (p.R799W) variant has been reported as homozygous or compound heterozygous in at least 8 individuals with xeroderma pigmentosum (XP) or ERCC4 releated neurological (ataxia) or progeroid syndromes (PMID: 8797827, 9579555, 21612988, 27528516, 29105242). It was also reported in 2 individuals with head and neck squamous cell carcinoma and sporadic pancreatic ductal adenocarcinoma (zygosity not specified, PMID: 28678401, 28767289). It is also known as R788W in the literature. In silico predictions of the variant's effect on protein function are inconclusive. However, cultured fibroblasts in patients with both compound heterozygous and homozygous mutations show deficits of nucleotide excision repair and reduced cell survival (PMID: 9579555, 29105242). It was observed in 105/129048 chromosomes of the Non-Finnish European subpopulation, with no homozygotes, in the Genome Aggregation Database (PMID: 32461654). The variant has been reported in ClinVar (Variation ID 16580). Based on the current evidence available, this variant is interpreted as likely pathogenic.

St. Jude Molecular Pathology, St. Jude Children's Research Hospital
Classification: Pathogenic for Xeroderma pigmentosum, group F. Last evaluated: 2021-10-28. Review status: criteria provided, single submitter. Criteria: St. Jude Assertion Criteria 2020. Collection method: clinical testing. Allele origin: germline.
Comment: The ERCC4 c.2395C>T (p.Arg799Trp) missense change has a maximum subpopulation frequency of 0.081% in gnomAD v2.1.1. Six of seven in silico tools predict a deleterious effect of this variant on protein function (PP3), and in vitro functional assays in LCLs (Epstein–Barr virus transformed lymphoblastoid cell lines) and fibroblasts have shown that this variant causes reduced protein expression of nuclear ERCC4 which is attributed to protein mislocalization and can result in decreased cell survival and DNA replication after ultraviolet light exposure (PS3; PMID: 20221251, 29105242, 9579555). This variant has been reported in over ten individuals affected with xeroderma pigmentosum (PS4, PM3; PMID: 8797827, 9579555, 23623389, 21228398, 28431612, 29892709). In addition, it has been reported in three individuals with autosomal recessive cerebellar ataxia with mild pigmentation of exposed skin areas and/or an equivocal history of pathological sunburn (PMID: 29403087), one individual with sporadic ataxia (PMID: 31692161), two individuals with head and neck squamous cell carcinoma (PMID: 28678401), one individual with sporadic pancreatic adenocarcinoma (PMID: 28767289), one individual with Cockayne syndrome (PMID: 29105242), and one individual with colorectal cancer (PMID: 31871297). This variant is also known as p.Arg788Trp in the literature. In summary, this variant meets criteria to be classified as pathogenic based on the ACMG/AMP criteria applied: PS3, PS4, PM3, PP3.

Baylor Genetics
Classification: Uncertain significance for Fanconi anemia complementation group Q. Last evaluated: 2021-03-04. Review status: criteria provided, single submitter. Criteria: ACMG Guidelines, 2015. Collection method: clinical testing. Allele origin: unknown. Affected: yes. Study: CSER-TexasKidsCanSeq.
Comment: This variant was determined to be of uncertain significance according to ACMG Guidelines, 2015 [PMID:25741868].

Undiagnosed Diseases Network, NIH
Classification: Pathogenic for Xeroderma pigmentosum, group F. Last evaluated: 2021-02-21. Review status: criteria provided, single submitter. Criteria: ACMG Guidelines, 2015. Collection method: clinical testing. Allele origin: maternal. Inheritance: Autosomal recessive inheritance. Affected: yes. Observed: 2 variant alleles, 2 compound heterozygotes. Clinical features observed: Renal cyst (HP:0000107), Sensorineural hearing loss disorder (HP:0000407), Ataxia (HP:0001251), Dysarthria (HP:0001260), Pes cavus (HP:0001761), Anemia (HP:0001903), Chorea (HP:0002072), Cerebral cortical atrophy (HP:0002120), Abnormal brainstem morphology (HP:0002363), Hypoplasia of the brainstem (HP:0002365), Hand tremor (HP:0002378), Abnormal cerebral cortex morphology (HP:0002538), and 7 more. Study: Undiagnosed Diseases Network (NIH), UDN.

Institute of Medical Genetics and Applied Genomics, University Hospital Tübingen
Classification: Likely pathogenic. Last evaluated: 2020-10-23. Review status: criteria provided, single submitter. Criteria: ACMG Guidelines, 2015. Collection method: clinical testing. Allele origin: germline. Inheritance: Unknown mechanism. Affected: yes.

Institute of Human Genetics, University of Leipzig Medical Center
Classification: Uncertain significance for Breast carcinoma. Last evaluated: 2019-01-01. Review status: criteria provided, single submitter. Criteria: ACMG Guidelines, 2015. Collection method: clinical testing. Allele origin: unknown. Affected: yes.

Illumina Laboratory Services, Illumina
Classification: Pathogenic for Xeroderma pigmentosum, group F. Last evaluated: 2018-12-19. Review status: criteria provided, single submitter. Criteria: ICSL Variant Classification Criteria 09 May 2019. Collection method: clinical testing. Allele origin: germline.
Comment: Across a selection of the available literature, the ERCC4 c.2395C>T (p.Arg799Trp) variant has been identified in 11 probands with xeroderma pigmentosum including five in a homozygous state, four in a heterozygous state and two in a compound heterozygous state (Sijbers et al. 1996; Sijbers et al. 1998; Gregg et al. 2011). The p.Arg799Trp variant is reported at a frequency of 0.001 in the European American population of the Exome Sequencing Project. Functional rescue studies showed that the variant could only partially rescue the nuclear excision repair defect and that the variant protein mislocalized to the cytoplasm (Sijbers et al. 1998; Ahmad et al. 2010). Based on the collective evidence, the p.Arg799Trp variant is classified as pathogenic for xeroderma pigmentosum. This variant was observed by ICSL as part of a predisposition screen in an ostensibly healthy population.

Laboratory for Molecular Medicine, Mass General Brigham Personalized Medicine
Classification: Uncertain significance. Last evaluated: 2016-03-29. Review status: criteria provided, single submitter. Criteria: LMM Criteria. Collection method: clinical testing. Allele origin: germline.
Comment: Variant identified in a genome or exome case(s) and assessed due to predicted null impact of the variant or pathogenic assertions in the literature or databases. Disclaimer: This variant has not undergone full assessment. The following are preliminary notes: Present in 1/908 alleles in the other population and in 55/66734 European alleles of ExAC. Reported by Sijbers_1996 in a compound heterozygous individual with XP group F.

Baylor Genetics
Classification: Pathogenic for Xeroderma pigmentosum, group F. Review status: criteria provided, single submitter. Criteria: ACMG Guidelines, 2015. Collection method: clinical testing. Allele origin: unknown.